The following is an entry in ClinVar:

NM_001267550.2(TTN):c.47955A>G (p.Pro15985=)

Genes: TTN (titin; minus strand), TTN-AS1 (TTN antisense RNA 1; plus strand). Cytogenetic location: 2q31.2.
Variant type: single nucleotide variant.
Coding change: c.47955A>G on transcript NM_001267550.2 (MANE Select); coding-DNA position 47955, A replaced by G.
Protein change: p.Pro15985=; no amino-acid change (proline 15985 retained).
Molecular consequence: synonymous variant.
Genome position (GRCh38, 1-based): chr2:178,616,934, T>C on the plus strand (A>G on the coding strand, the complement: TTN is on the minus strand). VCF-style: chr2-178616934-T-C. GRCh37 (hg19) VCF-style: chr2-179481661-T-C.
Other names: c.43032A>G, p.Pro14344= (NM_001256850.1); c.20760A>G, p.Pro6920= (NM_003319.4); c.40251A>G, p.Pro13417= (NM_133378.4); c.21135A>G, p.Pro7045= (NM_133432.3); c.21336A>G, p.Pro7112= (NM_133437.4).
Identifiers: ClinVar variation 130667 (VCV000130667.35), dbSNP rs192953152, ClinGen allele CA155862.

ClinVar aggregate classification (germline): Benign/Likely benign. Review status: criteria provided, multiple submitters, no conflicts (2 of 4 stars). 15 submissions from 12 submitters: Benign (9); Likely benign (5). 1 of the submissions does not count toward it. Last evaluated 2026-01-27.

Conditions:
Cardiovascular phenotype. Identifiers: MedGen CN230736.
TTN-related disorder. Also called: TTN-related disorders; TTN-related condition; TTN-related disease.
Dilated cardiomyopathy 1G (CMD1G). Identifiers: Orphanet 154, MedGen C1858763, MONDO:0011400, OMIM 604145.
Autosomal recessive limb-girdle muscular dystrophy type 2J (LGMDR10). Also called: Limb-girdle muscular dystrophy, type 2J; MUSCULAR DYSTROPHY, LIMB-GIRDLE, AUTOSOMAL RECESSIVE 10. Identifiers: Orphanet 140922, MedGen C1837342, MONDO:0012127, OMIM 608807.
Early-onset myopathy with fatal cardiomyopathy (CMYO5). Also called: Salih Myopathy; CONGENITAL MYOPATHY 5 WITH CARDIOMYOPATHY. Identifiers: Orphanet 289377, MedGen C2673677, MONDO:0012714, OMIM 611705. Disease mechanism: loss of function.
Myopathy, myofibrillar, 9, with early respiratory failure (MFM9). Also called: MYOPATHY, PROXIMAL, WITH EARLY RESPIRATORY MUSCLE INVOLVEMENT; EDSTROM MYOPATHY; Hereditary myopathy with early respiratory failure; Myopathy, distal, with early respiratory failure, autosomal dominant. Identifiers: Orphanet 178464, Orphanet 34521, MedGen C1863599, MONDO:0011362, OMIM 603689.
Tibial muscular dystrophy (TMD). Also called: UDD MYOPATHY; Tibial muscular dystrophy, tardive; Udd Distal Myopathy – Tibial Muscular Dystrophy. Identifiers: Orphanet 609, MedGen C1838244, MONDO:0010870, OMIM 600334.

Allele frequency attached by ClinVar (database versions not stated): gnomAD exomes 0.00005 and 0.00012; ExAC 0.00018; gnomAD 0.00044 and 0.00046; ESP Exome Variant Server 0.00059; 1000 Genomes Project 30x 0.00062; TOPMed 0.00051; 1000 Genomes Project 0.00080.
gnomAD v4.1: 145 of 1,612,708 alleles (0.009%); highest among the groups gnomAD compares: African/African-American, 0.18%; no homozygotes.

Submissions (15):

Labcorp Genetics (formerly Invitae), Labcorp
Classification: Benign for Dilated cardiomyopathy 1G; Autosomal recessive limb-girdle muscular dystrophy type 2J. Last evaluated: 2026-01-27. Review status: criteria provided, single submitter. Criteria: Invitae Variant Classification Sherloc (09022015). Collection method: clinical testing. Allele origin: germline.

Molecular Diagnostic Laboratory for Inherited Cardiovascular Disease, Montreal Heart Institute
Classification: Benign. Last evaluated: 2025-04-09. Review status: criteria provided, single submitter. Criteria: ACMG Guidelines, 2015. Collection method: clinical testing. Allele origin: germline. Affected: no.

Women's Health and Genetics/Laboratory Corporation of America, LabCorp
Classification: Likely benign. Last evaluated: 2023-08-19. Review status: criteria provided, single submitter. Criteria: LabCorp Variant Classification Summary - May 2015. Collection method: clinical testing. Allele origin: germline.

Genome-Nilou Lab
Classification: Benign for Autosomal recessive limb-girdle muscular dystrophy type 2J. Last evaluated: 2021-09-10. Review status: criteria provided, single submitter. Criteria: ACMG Guidelines, 2015. Collection method: clinical testing. Allele origin: germline. Affected: no.

Genome-Nilou Lab
Classification: Benign for Myopathy, myofibrillar, 9, with early respiratory failure. Last evaluated: 2021-09-10. Review status: criteria provided, single submitter. Criteria: ACMG Guidelines, 2015. Collection method: clinical testing. Allele origin: germline. Affected: no.

Genome-Nilou Lab
Classification: Benign for Early-onset myopathy with fatal cardiomyopathy. Last evaluated: 2021-09-10. Review status: criteria provided, single submitter. Criteria: ACMG Guidelines, 2015. Collection method: clinical testing. Allele origin: germline. Affected: no.

Genome-Nilou Lab
Classification: Benign for Tibial muscular dystrophy. Last evaluated: 2021-09-10. Review status: criteria provided, single submitter. Criteria: ACMG Guidelines, 2015. Collection method: clinical testing. Allele origin: germline. Affected: no.

ARUP Laboratories, Molecular Genetics and Genomics, ARUP Laboratories
Classification: Likely benign. Last evaluated: 2021-01-20. Review status: criteria provided, single submitter. Criteria: ARUP Molecular Germline Variant Investigation Process 2021. Collection method: clinical testing. Allele origin: germline.

Ambry Genetics
Classification: Likely benign for Cardiovascular phenotype. Last evaluated: 2019-01-14. Review status: criteria provided, single submitter. Criteria: Ambry Variant Classification Scheme 2023. Collection method: clinical testing. Allele origin: germline.

Athena Diagnostics
Classification: Benign. Last evaluated: 2018-11-14. Review status: criteria provided, single submitter. Criteria: Athena Diagnostics Criteria. Collection method: clinical testing. Allele origin: germline.

GeneDx
Classification: Benign. Last evaluated: 2018-03-20. Review status: criteria provided, single submitter. Criteria: GeneDx Variant Classification (06012015). Collection method: clinical testing. Allele origin: germline. Affected: yes.
Comment: This variant is considered likely benign or benign based on one or more of the following criteria: it is a conservative change, it occurs at a poorly conserved position in the protein, it is predicted to be benign by multiple in silico algorithms, and/or has population frequency not consistent with disease.

Eurofins Ntd Llc (ga)
Classification: Likely benign. Last evaluated: 2017-06-06. Review status: criteria provided, single submitter. Criteria: EGL Classification Definitions 2015. Collection method: clinical testing. Allele origin: germline. Observed: 1 variant allele, 1 heterozygote.

Genetic Services Laboratory, University of Chicago
Classification: Benign for AllHighlyPenetrant. Last evaluated: 2013-12-04. Review status: criteria provided, single submitter. Criteria: ACMG Guidelines, 2007. Collection method: clinical testing. Allele origin: germline.

Breakthrough Genomics
Classification: Likely benign. Review status: criteria provided, single submitter. Criteria: ACMG Guidelines, 2015. Collection method: not provided. Allele origin: germline. Inheritance: Autosomal recessive inheritance. Affected: yes.

PreventionGenetics, part of Exact Sciences
Classification: Likely benign for TTN-related condition. Last evaluated: 2019-08-21. Review status: no assertion criteria provided. Collection method: clinical testing. Allele origin: germline. Not counted in ClinVar's aggregate classification.
Comment: This variant is classified as likely benign based on ACMG/AMP sequence variant interpretation guidelines (Richards et al. 2015 PMID: 25741868, with internal and published modifications).